The following is an entry in ClinVar:

NM_005045.4(RELN):c.9629A>G (p.Gln3210Arg)

Genes: RELN (reelin; minus strand), SLC26A5-AS1 (SLC26A5 antisense RNA 1; plus strand), LOC126860130 (BRD4-independent group 4 enhancer GRCh37_chr7:103130126-103131325; plus strand). Cytogenetic location: 7q22.1.
Variant type: single nucleotide variant.
Coding change: c.9629A>G on transcript NM_005045.4 (MANE Select); coding-DNA position 9629, A replaced by G.
Protein change: p.Gln3210Arg; replaces glutamine 3210 with arginine.
Molecular consequence: missense variant.
Genome position (GRCh38, 1-based): chr7:103,489,876, T>C on the plus strand (A>G on the coding strand, the complement: RELN is on the minus strand). VCF-style: chr7-103489876-T-C. GRCh37 (hg19) VCF-style: chr7-103130323-T-C.
Other names: c.9629A>G, p.Gln3210Arg (NM_173054.3); short protein forms Q3210R.
Identifiers: ClinVar variation 2001015 (VCV002001015.4), dbSNP rs2485713117, ClinGen allele CA368744225.

ClinVar aggregate classification (germline): Uncertain significance (1 of 4 stars; one submission).

Conditions:
Norman-Roberts syndrome (LIS2). Also called: Lissencephaly 2 (Norman-Roberts type). Identifiers: Orphanet 89844, MedGen C0796089, MONDO:0009760, OMIM 257320.
Familial temporal lobe epilepsy 7. Identifiers: Orphanet 101046, MedGen C4225327, MONDO:0014639, OMIM 616436.

Allele frequency attached by ClinVar (database versions not stated): gnomAD exomes below 0.00001.
gnomAD v4.1: 1 of 1,614,200 alleles (0.000062%); highest among the groups gnomAD compares: Non-Finnish European, 0.000085%; no homozygotes.

Submission:

Labcorp Genetics (formerly Invitae), Labcorp
Classification: Uncertain significance for Familial temporal lobe epilepsy 7; Norman-Roberts syndrome. Last evaluated: 2025-01-25. Review status: criteria provided, single submitter. Criteria: Invitae Variant Classification Sherloc (09022015). Collection method: clinical testing. Allele origin: germline.
Comment: This sequence change replaces glutamine, which is neutral and polar, with arginine, which is basic and polar, at codon 3210 of the RELN protein (p.Gln3210Arg). This variant is not present in population databases (gnomAD no frequency). This variant has not been reported in the literature in individuals affected with RELN-related conditions. ClinVar contains an entry for this variant (Variation ID: 2001015). Invitae Evidence Modeling of protein sequence and biophysical properties (such as structural, functional, and spatial information, amino acid conservation, physicochemical variation, residue mobility, and thermodynamic stability) indicates that this missense variant is not expected to disrupt RELN protein function with a negative predictive value of 80%. In summary, the available evidence is currently insufficient to determine the role of this variant in disease. Therefore, it has been classified as a Variant of Uncertain Significance.